The following is an entry in ClinVar:

NM_018897.3(DNAH7):c.10001dup (p.Leu3334fs)

Gene: DNAH7 (dynein axonemal heavy chain 7; minus strand). Cytogenetic location: 2q32.3.
Variant type: Duplication.
Coding change: c.10001dup on transcript NM_018897.3 (MANE Select); coding-DNA position 10001, one base duplicated (T; older notation c.10001dupT).
Protein change: p.Leu3334fs; shifts the reading frame from leucine 3334.
Molecular consequence: frameshift variant.
Genome position (GRCh38, 1-based): chr2:195,808,764, A duplicated on the plus strand (T on the coding strand, the reverse complement: DNAH7 is on the minus strand); the first of 2 consecutive A bases (chr2:195,808,764-195,808,765); duplicating either gives the same sequence. VCF-style (leftmost placement, unchanged base first): chr2-195808763-T-TA. GRCh37 (hg19) VCF-style: chr2-196673487-T-TA.
Other names: short protein forms L3334fs.
Identifiers: ClinVar variation 3342880 (VCV003342880.1).

ClinVar aggregate classification (germline): Uncertain significance (1 of 4 stars; one submission).

Submission:

GeneDx
Classification: Uncertain significance. Last evaluated: 2023-03-10. Review status: criteria provided, single submitter. Criteria: GeneDx Variant Classification Process June 2021. Collection method: clinical testing. Allele origin: germline. Affected: yes.
Comment: Frameshift variant predicted to result in protein truncation or nonsense mediated decay in a gene or region of a gene for which loss of function is not a well-established mechanism of disease; Not observed at significant frequency in large population cohorts (gnomAD); Has not been previously published as pathogenic or benign to our knowledge; Variants in candidate genes are classified as variants of uncertain significance in accordance with ACMG guidelines (Richards et al., 2015)